The following is an entry in ClinVar:

ClinVar aggregate classification (germline): Uncertain significance (1 of 4 stars; one submission).

Conditions:
Familial sleep-related hypermotor epilepsy. Also called: Autosomal Dominant Sleep-Related Hypermotor (Hyperkinetic) Epilepsy. Identifiers: Orphanet 98784, MedGen C3696898, MONDO:0000030.

Allele frequency attached by ClinVar (database versions not stated): TOPMed 0.00002; gnomAD exomes 0.00002.
gnomAD v4.1: 23 of 1,554,744 alleles (0.0015%); highest among the groups gnomAD compares: Non-Finnish European, 0.0019%; no homozygotes.

Submission:

Labcorp Genetics (formerly Invitae), Labcorp
Classification: Uncertain significance. Last evaluated: 2025-03-05. Review status: criteria provided, single submitter. Criteria: Invitae Variant Classification Sherloc (09022015). Collection method: clinical testing. Allele origin: germline.
Comment: This sequence change falls in intron 4 of the CHRNA2 gene. It does not directly change the encoded amino acid sequence of the CHRNA2 protein. It affects a nucleotide within the consensus splice site. This variant is present in population databases (no rsID available, gnomAD 0.003%). This variant has not been reported in the literature in individuals affected with CHRNA2-related conditions. ClinVar contains an entry for this variant (Variation ID: 2913529). Variants that disrupt the consensus splice site are a relatively common cause of aberrant splicing (PMID: 17576681, 9536098). Algorithms developed to predict the effect of sequence changes on RNA splicing suggest that this variant may disrupt the consensus splice site. In summary, the available evidence is currently insufficient to determine the role of this variant in disease. Therefore, it has been classified as a Variant of Uncertain Significance.

Literature cited by the submitters: PubMed 17576681; PubMed 9536098.

NM_000742.4(CHRNA2):c.339+5G>C

Gene: CHRNA2 (cholinergic receptor nicotinic alpha 2 subunit; minus strand). Cytogenetic location: 8p21.2.
Variant type: single nucleotide variant.
Coding change: c.339+5G>C on transcript NM_000742.4 (MANE Select); 5 bases into the intron after coding-DNA position 339, G replaced by C.
Molecular consequence: intron variant.
Genome position (GRCh38, 1-based): chr8:27,469,330, C>G on the plus strand (G>C on the coding strand, the complement: CHRNA2 is on the minus strand). VCF-style: chr8-27469330-C-G. GRCh37 (hg19) VCF-style: chr8-27326847-C-G.
Other names: c.-134+5G>C (NM_001347705.2, NM_001347706.2); c.294+5G>C (NM_001282455.2); c.-123+5G>C (NM_001347708.2); c.-120+5G>C (NM_001347707.2).
Identifiers: ClinVar variation 2913529 (VCV002913529.3), dbSNP rs1169627389, ClinGen allele CA460046753.
Genomic context (GRCh38, chr8:27,469,330, plus strand): 5'-GGAGGGGTCTGGGGTCCATGGATTCCCGGTACCCGCCACCTGGACTGGAGGAGGGGGGCC[C>G]TCACCTGTTTTAGCCAGACGTTGGTGGTCATCATTTGGTTCTTCTCATCCTGGCCCAGAG-3'